The following is an entry in ClinVar:

NM_000016.6(ACADM):c.134A>G (p.Gln45Arg)

Gene: ACADM (acyl-CoA dehydrogenase medium chain; plus strand). Cytogenetic location: 1p31.1.
Variant type: single nucleotide variant.
Coding change: c.134A>G on transcript NM_000016.6 (MANE Select); coding-DNA position 134, A replaced by G.
Protein change: p.Gln45Arg; replaces glutamine 45 with arginine.
Molecular consequence: missense variant. On other transcripts: 5 prime UTR variant (1).
Genome position (GRCh38, 1-based): chr1:75,732,659, A>G. VCF-style: chr1-75732659-A-G. GRCh37 (hg19) VCF-style: chr1-76198344-A-G.
Other names: c.146A>G, p.Gln49Arg (NM_001127328.3); c.26A>G, p.Gln9Arg (NM_001286042.2); c.134A>G, p.Gln45Arg (NM_001286043.2); c.-252A>G (NM_001286044.2); short protein forms Q45R, Q9R, Q49R.
Identifiers: ClinVar variation 281077 (VCV000281077.21), dbSNP rs757434857, ClinGen allele CA912974.

ClinVar aggregate classification (germline): Pathogenic/Likely pathogenic. Review status: criteria provided, multiple submitters, no conflicts (2 of 4 stars). 8 submissions from 8 submitters: Pathogenic (1); Likely pathogenic (5). 2 of the submissions do not count toward it. Last evaluated 2025-08-18.

Conditions:
ACADM-related disorder. Also called: ACADM-related condition.
Medium-chain acyl-coenzyme A dehydrogenase deficiency (ACADMD). Also called: MCAD Deficiency; MCADH DEFICIENCY; Medium chain acyl-CoA dehydrogenase deficiency; MCADD; ACADM DEFICIENCY; CARNITINE DEFICIENCY SECONDARY TO MEDIUM-CHAIN ACYL-CoA DEHYDROGENASE DEFICIENCY. Identifiers: Orphanet 42, MedGen C0220710, MONDO:0008721, OMIM 201450.

Allele frequency attached by ClinVar (database versions not stated): ExAC 0.00001; gnomAD exomes 0.00002.

Submissions (8):

Natera, Inc.
Classification: Likely pathogenic for Medium Chain Acyl-CoA Dehydrogenase Deficiency. Last evaluated: 2025-08-18. Review status: criteria provided, single submitter. Criteria: Natera Variant Classification Schema (03/2026). Collection method: clinical testing. Allele origin: germline.
Comment: The c.134A>G variant in ACADM is a missense variant predicted to cause substitution of glutamine to arginine at amino acid 45. This variant is rare in the general population with a frequency below the threshold expected for the associated phenotype(s). This variant has been observed in one or more individuals affected with the associated recessive disease, as either homozygous or compound heterozygous with a second variant (PMID: 18241067, 20434380, 34578803). Functional studies show that this variant may disrupt protein function (PMID: 26947917). Computational prediction algorithms indicate this variant is likely to affect gene or protein function. Given the available evidence, this variant is classified as Likely Pathogenic.

Fulgent Genetics
Classification: Likely pathogenic for Medium-chain acyl-coenzyme A dehydrogenase deficiency. Last evaluated: 2024-06-23. Review status: criteria provided, single submitter. Criteria: ACMG Guidelines, 2015. Collection method: clinical testing. Allele origin: germline.

Labcorp Genetics (formerly Invitae), Labcorp
Classification: Pathogenic for Medium-chain acyl-coenzyme A dehydrogenase deficiency. Last evaluated: 2024-03-11. Review status: criteria provided, single submitter. Criteria: Invitae Variant Classification Sherloc (09022015). Collection method: clinical testing. Allele origin: germline.
Comment: This sequence change replaces glutamine, which is neutral and polar, with arginine, which is basic and polar, at codon 45 of the ACADM protein (p.Gln45Arg). This variant is present in population databases (rs757434857, gnomAD 0.006%). This missense change has been observed in individual(s) with MCAD deficiency (PMID: 18241067, 20434380, 22796001; Invitae). In at least one individual the data is consistent with being in trans (on the opposite chromosome) from a pathogenic variant. ClinVar contains an entry for this variant (Variation ID: 281077). Advanced modeling of protein sequence and biophysical properties (such as structural, functional, and spatial information, amino acid conservation, physicochemical variation, residue mobility, and thermodynamic stability) has been performed at Invitae for this missense variant, however the output from this modeling did not meet the statistical confidence thresholds required to predict the impact of this variant on ACADM protein function. Experimental studies have shown that this missense change affects ACADM function (PMID: 26947917). For these reasons, this variant has been classified as Pathogenic.

Baylor Genetics
Classification: Likely pathogenic for Medium-chain acyl-coenzyme A dehydrogenase deficiency. Last evaluated: 2023-11-30. Review status: criteria provided, single submitter. Criteria: ACMG Guidelines, 2015. Collection method: clinical testing. Allele origin: unknown.

Women's Health and Genetics/Laboratory Corporation of America, LabCorp
Classification: Likely pathogenic for Medium-chain acyl-coenzyme A dehydrogenase deficiency. Last evaluated: 2023-03-17. Review status: criteria provided, single submitter. Criteria: LabCorp Variant Classification Summary - May 2015. Collection method: clinical testing. Allele origin: germline.
Comment: Variant summary: ACADM c.134A>G (p.Gln45Arg) results in a conservative amino acid change located in the Acyl-CoA dehydrogenase/oxidase, N-terminal domain (IPR013786) of the encoded protein sequence. Four of five in-silico tools predict a damaging effect of the variant on protein function. The variant allele was found at a frequency of 1.6e-05 in 251266 control chromosomes (gnomAD). c.134A>G has been reported in the literature in the compound heterozygous state in individuals affected with Medium Chain Acyl-CoA Dehydrogenase Deficiency (e.g. Nichols_2008, Purevsuren_2009, Rucklova_2021). These data indicate that the variant may be associated with disease. A publication reporting experimental evidence evaluating an impact on protein function found that the variant resulted in reduced protein expression, which was prone to misfolding and/or aggregation, and that the variant had 11% of normal activity (Hara_2016). Three clinical diagnostic laboratories have submitted clinical-significance assessments for this variant to ClinVar after 2014 and classified the variant as pathogenic, likely pathogenic, and VUS. Based on the evidence outlined above, the variant was classified as likely pathogenic.

Eurofins Ntd Llc (ga)
Classification: Likely pathogenic. Last evaluated: 2017-07-06. Review status: criteria provided, single submitter. Criteria: EGL Classification Definitions 2015. Collection method: clinical testing. Allele origin: germline. Observed: 1 variant allele, 1 heterozygote.

PreventionGenetics, part of Exact Sciences
Classification: Pathogenic for ACADM-related condition. Last evaluated: 2024-07-30. Review status: no assertion criteria provided. Collection method: clinical testing. Allele origin: germline. Not counted in ClinVar's aggregate classification.
Comment: The ACADM c.134A>G variant is predicted to result in the amino acid substitution p.Gln45Arg. This variant has been reported with other ACADM variants in multiple individuals with biochemical features consistent with medium-chain acyl-CoA dehydrogenase deficiency (see for example, Nichols et al. 2008. PubMed ID: 18241067; Purevsuren et al. 2008. PubMed ID: 19064330; Table S2, Rücklová et al. 2021. PubMed ID: 34578803). This variant is reported in 0.0054% of alleles in individuals of East Asian descent in gnomAD. An in vitro experimental study suggests this variant affects protein expression and MCAD enzyme activity (Hara et al. 2015. PubMed ID: 26947917). This variant is interpreted as pathogenic.

Counsyl
Classification: Uncertain significance for Medium-chain acyl-coenzyme A dehydrogenase deficiency. Last evaluated: 2017-06-27. Review status: no assertion criteria provided. Collection method: clinical testing. Allele origin: unknown. Not counted in ClinVar's aggregate classification.

Literature cited by the submitters: PubMed 18241067 (cited by 3 submitters); PubMed 20434380 (cited by 4 submitters); PubMed 34578803 (cited by Natera, Inc. and Women's Health and Genetics/Laboratory Corporation of America, LabCorp); PubMed 26947917 (cited by 4 submitters); PubMed 22796001 (cited by Labcorp Genetics (formerly Invitae), Labcorp and Counsyl); PubMed 27308838 (cited by Women's Health and Genetics/Laboratory Corporation of America, LabCorp and Counsyl); PubMed 20036593 (cited by Women's Health and Genetics/Laboratory Corporation of America, LabCorp and Counsyl); PubMed 33580884 (cited by Women's Health and Genetics/Laboratory Corporation of America, LabCorp); PubMed 19064330 (cited by Women's Health and Genetics/Laboratory Corporation of America, LabCorp).